The following is an entry in ClinVar:

ClinVar aggregate classification (germline): Conflicting classifications of pathogenicity. Review status: criteria provided, conflicting classifications (1 of 4 stars). 2 submissions from 1 submitter: Uncertain significance (1); Likely benign (1). Last evaluated 2018-01-13.

Conditions:
Cone-rod dystrophy 10 (CORD10). Identifiers: Orphanet 1872, MedGen C1846529, MONDO:0012464, OMIM 610283.
Retinitis pigmentosa (RP). Identifiers: Orphanet 791, MedGen C0035334, MeSH D012174, MONDO:0019200, OMIM 268000. Inheritance: Autosomal dominant, autosomal recessive and X linked inheritance.

Allele frequency attached by ClinVar (database versions not stated): gnomAD 0.00042 and 0.00046; TOPMed 0.00042; 1000 Genomes Project 30x 0.00047; 1000 Genomes Project 0.00060.
gnomAD v4.1: 315 of 672,922 alleles (0.047%); highest among the groups gnomAD compares: East Asian, 0.51%; 8 homozygotes.

Submissions (2):

Illumina Laboratory Services, Illumina
Classification: Uncertain significance for Cone-rod dystrophy 10. Last evaluated: 2018-01-13. Review status: criteria provided, single submitter. Criteria: ICSL Variant Classification Criteria 13 December 2019. Collection method: clinical testing. Allele origin: germline.

Illumina Laboratory Services, Illumina
Classification: Likely benign for Retinitis pigmentosa. Last evaluated: 2018-01-13. Review status: criteria provided, single submitter. Criteria: ICSL Variant Classification Criteria 13 December 2019. Collection method: clinical testing. Allele origin: germline.
Comment: This variant was observed in the ICSL laboratory as part of a predisposition screen in an ostensibly healthy population. It had not been previously curated by ICSL or reported in the Human Gene Mutation Database (HGMD: prior to June 1st, 2018), and was therefore a candidate for classification through an automated scoring system. Utilizing variant allele frequency, disease prevalence and penetrance estimates, and inheritance mode, an automated score was calculated to assess if this variant is too frequent to cause the disease. Based on the score and internal cut-off values, a variant classified as likely benign is not then subjected to further curation. The score for this variant resulted in a classification of likely benign for this disease.

NM_022367.4(SEMA4A):c.*188G>T

Gene: SEMA4A (semaphorin 4A; plus strand). Cytogenetic location: 1q22.
Variant type: single nucleotide variant.
Coding change: c.*188G>T on transcript NM_022367.4 (MANE Select); 188 bases downstream of the stop codon, G replaced by T.
Molecular consequence: 3 prime UTR variant.
Genome position (GRCh38, 1-based): chr1:156,177,185, G>T. VCF-style: chr1-156177185-G-T. GRCh37 (hg19) VCF-style: chr1-156146976-G-T.
Other names: c.*188G>T (NM_001193300.2, NM_001193301.2, NM_001193302.2 and 4 more transcripts).
Identifiers: ClinVar variation 292864 (VCV000292864.6), dbSNP rs117762142, ClinGen allele CA10607830.
Genomic context (GRCh38, chr1:156,177,185, plus strand): 5'-TACTCTGCATCACTGATGACACTCAGCAGGGTGATGCACAGCAGTCTGCCTCCCCTATGG[G>T]ACTCCCTTCTACCAAGCACATGAGCTCTCTAACAGGGTGGGGGCTACCCCCAGACCTGCT-3'